The following is an entry in ClinVar:

NM_002693.3(POLG):c.3650C>T (p.Ala1217Val)

Genes: FANCI (FA complementation group I; plus strand), POLG (DNA polymerase gamma, catalytic subunit; minus strand). Cytogenetic location: 15q26.1.
Variant type: single nucleotide variant.
Coding change: c.3650C>T on transcript NM_002693.3 (MANE Select); coding-DNA position 3650, C replaced by T.
Protein change: p.Ala1217Val; replaces alanine 1217 with valine.
Molecular consequence: missense variant. On other transcripts: 3 prime UTR variant (4).
Genome position (GRCh38, 1-based): chr15:89,316,821, G>A on the plus strand (C>T on the coding strand, the complement: POLG is on the minus strand). VCF-style: chr15-89316821-G-A. GRCh37 (hg19) VCF-style: chr15-89860052-G-A.
Other names: p.A1217V:GCG>GTG; c.3650C>T, p.Ala1217Val (NM_001126131.2); c.*362G>A (NM_001113378.2, NM_001376910.1, NM_001376911.1 and 1 more transcripts); short protein forms A1217V.
Identifiers: ClinVar variation 206575 (VCV000206575.50), dbSNP rs199751339, ClinGen allele CA316794.
Genomic context (GRCh38, chr15:89,316,821, plus strand): 5'-GGCTGGCTTCGTTTTTCCAAGGAGCCTTTGGTGAGTTCAATTATCTGGTAAATATCCAGC[G>A]CTTCACCTGAAAGATAGTGCAAATTGGTTAGGATGCCACCTCAAGAACTGTAACTGAGAG-3'
Protein context (NP_002684.1, residues 1207-1227): ERRYGIPQGE[Ala1217Val]LDIYQIIELT

ClinVar aggregate classification (germline): Uncertain significance. Review status: criteria provided, multiple submitters, no conflicts (2 of 4 stars). 11 submissions from 10 submitters: Uncertain significance (11). Last evaluated 2025-09-14.

Conditions:
Inborn genetic diseases. Identifiers: MedGen C0950123, MeSH D030342.
Progressive external ophthalmoplegia with mitochondrial DNA deletions, autosomal dominant 1 (PEOA1). Also called: PROGRESSIVE EXTERNAL OPHTHALMOPLEGIA, AUTOSOMAL DOMINANT 1; Autosomal Dominant Progressive External Ophthalmoplegia (adPEO). Identifiers: MedGen C1834846, MONDO:0024528, OMIM 157640.
Progressive external ophthalmoplegia with mitochondrial DNA deletions, autosomal recessive 1 (PEOB1). Also called: Progressive external ophthalmoplegia, autosomal recessive 1; Autosomal Recessive Progressive External Ophthalmoplegia (arPEO). Identifiers: Orphanet 254886, MedGen C4225153, MONDO:0009783, OMIM 258450.
Sensory ataxic neuropathy, dysarthria, and ophthalmoparesis (SANDO). Also called: Sensory ataxic neuropathy-dysarthria-ophthalmoparesis syndrome; Ataxia Neuropathy Spectrum (ANS); SENSORY ATAXIC NEUROPATHY WITH MITOCHONDRIAL DNA DELETIONS, AUTOSOMAL RECESSIVE; Epilepsy, progressive myoclonic, type 5. Identifiers: Orphanet 70595, MedGen C1843851, MONDO:0011835, OMIM 607459.
Progressive sclerosing poliodystrophy (MTDPS4A). Also called: Mitochondrial DNA depletion syndrome 4A (Alpers type); Mitochondrial DNA Depletion Syndrome 4A; ALPERS PROGRESSIVE INFANTILE POLIODYSTROPHY; Alpers-Huttenlocher Syndrome; Alpers Syndrome; ALPERS DIFFUSE DEGENERATION OF CEREBRAL GRAY MATTER WITH HEPATIC CIRRHOSIS. Identifiers: Orphanet 726, MedGen C0205710, MONDO:0008758, OMIM 203700.
Mitochondrial DNA depletion syndrome 4b. Also called: Mitochondrial Neurogastrointestinal Encephalopathy Disease, POLG-Related; MNGIE, POLG-RELATED. Identifiers: Orphanet 298, MedGen C3150914, MONDO:0013350, OMIM 613662.
Mitochondrial DNA depletion syndrome 1. Also called: Mitochondrial DNA Depletion Syndrome, MNGIE Form; Mitochondrial DNA depletion syndrome 1 (MNGIE type); Mitochondrial Neurogastrointestinal Encephalopathy Disease; MITOCHONDRIAL NEUROGASTROINTESTINAL ENCEPHALOPATHY SYNDROME, TYMP-RELATED; MNGIE, TYMP-RELATED; Mitochondrial neurogastrointestinal encephalomyopathy syndrome. Identifiers: Orphanet 298, MedGen C4551995, MONDO:0011283, OMIM 603041.
POLG-related disorder. Also called: POLG-Related Spectrum Disorders; POLG-related condition; POLG-Related Disorders. Identifiers: MedGen C4763519.
Fanconi anemia complementation group I (FANCI). Also called: FANCI-Related Fanconi Anemia. Identifiers: Orphanet 84, MedGen C1836861, MONDO:0012186, OMIM 609053.

Allele frequency attached by ClinVar (database versions not stated): ExAC 0.00005; gnomAD 0.00006; TOPMed 0.00009.
gnomAD v4.1: 137 of 1,612,804 alleles (0.0085%); highest among the groups gnomAD compares: East Asian, 0.12%; no homozygotes.

Submissions (11):

Labcorp Genetics (formerly Invitae), Labcorp
Classification: Uncertain significance for Progressive sclerosing poliodystrophy. Last evaluated: 2025-09-14. Review status: criteria provided, single submitter. Criteria: Invitae Variant Classification Sherloc (09022015). Collection method: clinical testing. Allele origin: germline.
Comment: This sequence change replaces alanine, which is neutral and non-polar, with valine, which is neutral and non-polar, at codon 1217 of the POLG protein (p.Ala1217Val). This variant is present in population databases (rs199751339, gnomAD 0.08%). This missense change has been observed in individual(s) with sensory ataxic neuropathy, dysarthria, and ophthalmoparesis (SANDO) (PMID: 23524600). ClinVar contains an entry for this variant (Variation ID: 206575). Invitae Evidence Modeling of protein sequence and biophysical properties (such as structural, functional, and spatial information, amino acid conservation, physicochemical variation, residue mobility, and thermodynamic stability) indicates that this missense variant is expected to disrupt POLG protein function with a positive predictive value of 95%. Experimental studies are conflicting or provide insufficient evidence to determine the effect of this variant on POLG function (PMID: 27987238). In summary, the available evidence is currently insufficient to determine the role of this variant in disease. Therefore, it has been classified as a Variant of Uncertain Significance.

Women's Health and Genetics/Laboratory Corporation of America, LabCorp
Classification: Uncertain significance. Last evaluated: 2025-09-04. Review status: criteria provided, single submitter. Criteria: LabCorp Variant Classification Summary - May 2015. Collection method: clinical testing. Allele origin: germline.
Comment: Variant summary: POLG c.3650C>T (p.Ala1217Val) results in a non-conservative amino acid change in the encoded protein sequence. Algorithms developed to predict the effect of missense changes on protein structure and function all suggest that this variant is likely to be disruptive. The variant allele was found at a frequency of 6.8e-05 in 251306 control chromosomes (gnomAD). This frequency is not significantly higher than estimated for disease-causing variants in POLG, allowing no conclusion about variant significance. c.3650C>T has been observed in individuals affected with POLG-Related Spectrum Disorders (Tanaka_2013, Chen_2022, Zhao_2022). These report(s) do not provide unequivocal conclusions about association of the variant with POLG-Related Spectrum Disorders. At least one publication reports experimental evidence evaluating an impact on protein function and this variant affected the POLG protein function (Kasahara_2017). The following publications have been ascertained in the context of this evaluation (PMID: 35861376, 27987238, 23524600, 36034288). ClinVar contains an entry for this variant (Variation ID: 206575). Based on the evidence outlined above, the variant was classified as uncertain significance.

Ambry Genetics
Classification: Uncertain significance for Inborn genetic diseases. Last evaluated: 2024-12-04. Review status: criteria provided, single submitter. Criteria: Ambry Variant Classification Scheme 2023. Collection method: clinical testing. Allele origin: germline.

Blueprint Genetics
Classification: Uncertain significance. Last evaluated: 2024-11-08. Review status: criteria provided, single submitter. Criteria: ACMG Guidelines, 2015. Collection method: clinical testing. Allele origin: germline.

Fulgent Genetics
Classification: Uncertain significance for Progressive external ophthalmoplegia with mitochondrial DNA deletions, autosomal dominant 1; Progressive sclerosing poliodystrophy; Progressive external ophthalmoplegia with mitochondrial DNA deletions, autosomal recessive 1; Mitochondrial DNA depletion syndrome 1; Sensory ataxic neuropathy, dysarthria, and ophthalmoparesis; Mitochondrial DNA depletion syndrome 4b. Last evaluated: 2021-11-24. Review status: criteria provided, single submitter. Criteria: ACMG Guidelines, 2015. Collection method: clinical testing. Allele origin: unknown.

CeGaT Center for Human Genetics Tuebingen
Classification: Uncertain significance. Last evaluated: 2021-08-01. Review status: criteria provided, single submitter. Criteria: CeGaT Center For Human Genetics Tuebingen Variant Classification Criteria Version 2. Collection method: clinical testing. Allele origin: germline. Affected: yes. Observed: 1 variant allele.

GeneDx
Classification: Uncertain significance. Last evaluated: 2019-08-09. Review status: criteria provided, single submitter. Criteria: GeneDx Variant Classification Process June 2021. Collection method: clinical testing. Allele origin: germline. Affected: yes.
Comment: Reported previously in an individual with sensory ataxic neuropathy dysarthria and ophthalmoparesis (SANDO) who had a second POLG variant identified as well as a variant in the SLC25A4 gene and a mtDNA deletion in muscle (Tanaka et al., 2013).; In silico analysis, which includes protein predictors and evolutionary conservation, supports a deleterious effect; This variant is associated with the following publications: (PMID: 23524600, 27987238)

Wong Mito Lab, Molecular and Human Genetics, Baylor College of Medicine
Classification: Uncertain significance for Progressive sclerosing poliodystrophy. Last evaluated: 2018-10-01. Review status: criteria provided, single submitter. Criteria: ACMG Guidelines, 2015. Collection method: clinical testing. Allele origin: germline.
Comment: The NM_002693.2:c.3650C>T (NP_002684.1:p.Ala1217Val) [GRCH38: NC_000015.10:g.89316821G>A] variant in FANCI gene is interpretated to be a Uncertain Significance based on ACMG guidelines (PMID: 25741868). This variant meets the following evidence codes reported in the ACMG-guideline. PP3:Computational evidence/predictors indicate the variant has deleterious effect on FANCI structure, function, or protein-protein interaction. Based on the evidence criteria codes applied, the variant is suggested to be Uncertain Significance.

Illumina Laboratory Services, Illumina
Classification: Uncertain significance for Fanconi anemia complementation group I. Last evaluated: 2017-11-17. Review status: criteria provided, single submitter. Criteria: ICSL Variant Classification Criteria 13 December 2019. Collection method: clinical testing. Allele origin: germline.

Illumina Laboratory Services, Illumina
Classification: Uncertain significance for POLG-Related Spectrum Disorders. Last evaluated: 2017-11-15. Review status: criteria provided, single submitter. Criteria: ICSL Variant Classification Criteria 13 December 2019. Collection method: clinical testing. Allele origin: germline.
Comment: This variant was observed as part of a predisposition screen in an ostensibly healthy population. A literature search was performed for the gene, cDNA change, and amino acid change (where applicable). Publications were found based on this search. However, the evidence from the literature, in combination with allele frequency data from public databases where available, was not sufficient to rule this variant in or out of causing disease. Therefore, this variant is classified as a variant of unknown significance.

Athena Diagnostics
Classification: Uncertain significance. Last evaluated: 2017-03-28. Review status: criteria provided, single submitter. Criteria: Athena Diagnostics Criteria. Collection method: clinical testing. Allele origin: germline.

Literature cited by the submitters: PubMed 23524600 (cited by 4 submitters); PubMed 27987238 (cited by 3 submitters); PubMed 35861376 (cited by Women's Health and Genetics/Laboratory Corporation of America, LabCorp); PubMed 36034288 (cited by Women's Health and Genetics/Laboratory Corporation of America, LabCorp).